The following is an entry in ClinVar:

NM_006514.4(SCN10A):c.2746C>T (p.Arg916Trp)

Gene: SCN10A (sodium voltage-gated channel alpha subunit 10; minus strand). Cytogenetic location: 3p22.2.
Variant type: single nucleotide variant.
Coding change: c.2746C>T on transcript NM_006514.4 (MANE Select); coding-DNA position 2746, C replaced by T.
Protein change: p.Arg916Trp; replaces arginine 916 with tryptophan.
Molecular consequence: missense variant.
Genome position (GRCh38, 1-based): chr3:38,726,947, G>A on the plus strand (C>T on the coding strand, the complement: SCN10A is on the minus strand). VCF-style: chr3-38726947-G-A. GRCh37 (hg19) VCF-style: chr3-38768438-G-A.
Other names: c.2746C>T, p.Arg916Trp (NM_001293306.2); c.2452C>T, p.Arg818Trp (NM_001293307.2); short protein forms R818W, R916W.
Identifiers: ClinVar variation 962989 (VCV000962989.6), dbSNP rs370208223, ClinGen allele CA2320440.
Genomic context (GRCh38, chr3:38,726,947, plus strand): 5'-AGGACCTGCTGAAGAAGCTGCAAAGAGCCTGTTTGGTACGATGGCCAAAGACCTGGATCC[G>A]TGCCAGGGCCACCTGCAGGTTGTTCACCTCCCCATCGTCCTCCGGGGCTGTGAGGTTGTC-3'
Protein context (NP_006505.4, residues 906-926): EVNNLQVALA[Arg916Trp]IQVFGHRTKQ

ClinVar aggregate classification (germline): Conflicting classifications of pathogenicity. Review status: criteria provided, conflicting classifications (1 of 4 stars). 2 submissions from 2 submitters: Uncertain significance (1); Likely benign (1). Last evaluated 2025-11-25.

Conditions:
Cardiovascular phenotype. Identifiers: MedGen CN230736.
Brugada syndrome. Also called: Sudden Unexplained Death Syndrome; Sudden Unexplained Nocturnal Death Syndrome (SUNDS); Sudden unexpected nocturnal death syndrome; Sudden unexplained nocturnal death syndrome. Identifiers: Orphanet 130, MedGen C1142166, MONDO:0015263.

Allele frequency attached by ClinVar (database versions not stated): gnomAD exomes 0.00001 and 0.00003; ExAC 0.00006; gnomAD 0.00008 and 0.00009; TOPMed 0.00009; ESP Exome Variant Server 0.00038.

Submissions (2):

Labcorp Genetics (formerly Invitae), Labcorp
Classification: Uncertain significance for Brugada syndrome. Last evaluated: 2025-11-25. Review status: criteria provided, single submitter. Criteria: Invitae Variant Classification Sherloc (09022015). Collection method: clinical testing. Allele origin: germline.
Comment: This sequence change replaces arginine, which is basic and polar, with tryptophan, which is neutral and slightly polar, at codon 916 of the SCN10A protein (p.Arg916Trp). This variant is present in population databases (rs370208223, gnomAD 0.03%). This variant has not been reported in the literature in individuals affected with SCN10A-related conditions. ClinVar contains an entry for this variant (Variation ID: 962989). Invitae Evidence Modeling of protein sequence and biophysical properties (such as structural, functional, and spatial information, amino acid conservation, physicochemical variation, residue mobility, and thermodynamic stability) indicates that this missense variant is not expected to disrupt SCN10A protein function with a negative predictive value of 80%. In summary, the available evidence is currently insufficient to determine the role of this variant in disease. Therefore, it has been classified as a Variant of Uncertain Significance.

Ambry Genetics
Classification: Likely benign for Cardiovascular phenotype. Last evaluated: 2021-04-23. Review status: criteria provided, single submitter. Criteria: Ambry Variant Classification Scheme 2023. Collection method: clinical testing. Allele origin: germline.